The following is an entry in ClinVar:

ClinVar aggregate classification (germline): Benign/Likely benign. Review status: criteria provided, multiple submitters, no conflicts (2 of 4 stars). 6 submissions from 6 submitters: Benign (4); Likely benign (1). 1 of the submissions does not count toward it. Last evaluated 2025-09-17.

Conditions:
Polycystic kidney disease. Also called: Kidney, Polycystic; Polycystic kidney dysplasia. Identifiers: MedGen C0022680, MeSH D007690, MONDO:0020642, HP:0000113.
Polycystic kidney disease, adult type (PKD1). Also called: POLYCYSTIC KIDNEY DISEASE, ADULT, TYPE I; Polycystic Kidney Disease 1, Autosomal Dominant; Polycystic kidney disease 1; Polycystic kidney disease 1, severe; Polycystic Kidney, Autosomal Dominant; POLYCYSTIC KIDNEY DISEASE 1 WITH OR WITHOUT POLYCYSTIC LIVER DISEASE. Identifiers: MedGen C3149841, MONDO:0008263, OMIM 173900.

Allele frequency attached by ClinVar (database versions not stated): 1000 Genomes Project 30x 0.00141.

Submissions (6):

Women's Health and Genetics/Laboratory Corporation of America, LabCorp
Classification: Benign. Last evaluated: 2025-09-17. Review status: criteria provided, single submitter. Criteria: LabCorp Variant Classification Summary - May 2015. Collection method: clinical testing. Allele origin: germline.
Comment: Variant summary: PKD1 c.288-11G>C alters a nucleotide located at a position not widely known to affect splicing. Consensus agreement among computation tools predict no significant impact on normal splicing. However, these predictions have yet to be confirmed by functional studies. The variant allele was found at a frequency of 0.00048 in 223052 control chromosomes, predominantly at a frequency of 0.0061 within the East Asian subpopulation in the gnomAD database, including 11 homozygotes. The observed variant frequency within East Asian control individuals in the gnomAD database exceeds the estimated maximal expected allele frequency for disease-causing variants in PKD1. To our knowledge, no occurrence of c.288-11G>C in individuals affected with PKD1-related conditions and no experimental evidence demonstrating its impact on protein function have been reported. ClinVar contains an entry for this variant (Variation ID: 433941). Based on the evidence outlined above, the variant was classified as benign.

Blueprint Genetics
Classification: Benign. Last evaluated: 2024-10-04. Review status: criteria provided, single submitter. Criteria: ACMG Guidelines, 2015. Collection method: clinical testing. Allele origin: germline.

GeneDx
Classification: Likely benign. Last evaluated: 2021-02-01. Review status: criteria provided, single submitter. Criteria: GeneDx Variant Classification Process June 2021. Collection method: clinical testing. Allele origin: germline. Affected: yes.
Comment: This variant is associated with the following publications: (PMID: 22185115)

ARUP Laboratories, Molecular Genetics and Genomics, ARUP Laboratories
Classification: Benign for Polycystic kidney disease, adult type. Last evaluated: 2020-02-03. Review status: criteria provided, single submitter. Criteria: ARUP Molecular Germline Variant Investigation Process. Collection method: clinical testing. Allele origin: germline.

Athena Diagnostics
Classification: Benign. Last evaluated: 2019-05-08. Review status: criteria provided, single submitter. Criteria: Athena Diagnostics Criteria. Collection method: clinical testing. Allele origin: germline.

Department of Pathology and Laboratory Medicine, Sinai Health System
Classification: Likely benign for Polycystic Kidney disease. Review status: no assertion criteria provided. Collection method: clinical testing. Allele origin: unknown. Affected: yes. Observed: 4 variant alleles. Study: The Canadian Open Genetics Repository (COGR). Not counted in ClinVar's aggregate classification.
Comment: The PKD1 c.288-11G>C variant was identified in a ADPKD mutational analysis study of PKD1 and PKD2 genes in Chinese individuals or families with ADPKD, and was present in 4 of 200 control chromosomes (frequency: 0.020) from healthy individuals (Yu 2011). The variant was identified in the ADPKD Mutation Database (classification likely neutral), but was not identified in dbSNP, 1000 Genomes, NHLBI GO Exome Sequencing Project, the Exome Aggregation Consortium (March 2016), Clinvitae, ClinVar, GeneInsight COGR, PKD1-LOVD, and PKD1-LOVD 3.0 databases. The variant occurs outside of the splicing consensus sequence and 1 of 5 in silico or computational prediction software programs (SpliceSiteFinder, MaxEntScan, NNSPLICE, GeneSplicer, HumanSpliceFinder) predict a greater than 10% difference in splicing; this is not very predictive of pathogenicity. In summary, based on the above information, the clinical significance of this variant cannot be determined with certainty at this time although we would lean towards a more benign role for this variant. This variant is classified as likely benign.

Literature cited by the submitters: PubMed 22185115 (cited by Athena Diagnostics).

NM_001009944.3(PKD1):c.288-11G>C

Gene: PKD1 (polycystin 1, transient receptor potential channel interacting; minus strand). Cytogenetic location: 16p13.3.
Variant type: single nucleotide variant.
Coding change: c.288-11G>C on transcript NM_001009944.3 (MANE Select); 11 bases into the intron before coding-DNA position 288, G replaced by C.
Molecular consequence: intron variant.
Genome position (GRCh38, 1-based): chr16:2,119,196, C>G on the plus strand (G>C on the coding strand, the complement: PKD1 is on the minus strand). VCF-style: chr16-2119196-C-G. GRCh37 (hg19) VCF-style: chr16-2169197-C-G.
Other names: c.288-11G>C (NM_000296.4).
Identifiers: ClinVar variation 433941 (VCV000433941.17), dbSNP rs750270591, ClinGen allele CA620706549.